The following is an entry in ClinVar:

NM_001323289.2(CDKL5):c.64+4A>G

Gene: CDKL5 (cyclin dependent kinase like 5; plus strand). Cytogenetic location: Xp22.13.
Variant type: single nucleotide variant.
Coding change: c.64+4A>G on transcript NM_001323289.2 (MANE Select); 4 bases into the intron after coding-DNA position 64, A replaced by G.
Molecular consequence: intron variant.
Genome position (GRCh38, 1-based): chrX:18,507,164, A>G. VCF-style: chrX-18507164-A-G. GRCh37 (hg19) VCF-style: chrX-18525284-A-G.
Other names: c.64+4A>G (NM_003159.3, NM_001037343.2).
Identifiers: ClinVar variation 1921897 (VCV001921897.6), dbSNP rs747057962, ClinGen allele CA10360173.

ClinVar aggregate classification (germline): Conflicting classifications of pathogenicity. Review status: criteria provided, conflicting classifications (1 of 4 stars). 2 submissions from 2 submitters: Uncertain significance (1); Likely benign (1). Last evaluated 2026-04-06.

Conditions:
Angelman syndrome-like. Identifiers: MedGen CN128785.
Developmental and epileptic encephalopathy, 2 (DEE2). Also called: CDKL5 deficiency disorder; INFANTILE SPASM SYNDROME, X-LINKED 2. Identifiers: Orphanet 1934, Orphanet 3451, Orphanet 505652, MedGen C4750718, MONDO:0010396, OMIM 300672.

Allele frequency attached by ClinVar (database versions not stated): gnomAD exomes below 0.00001; ExAC 0.00001.
gnomAD v4.1: 3 of 1,177,742 alleles (0.00025%); highest among the groups gnomAD compares: Non-Finnish European, 0.00035%; no homozygotes.

Submissions (2):

Centre for Medical Genetics,  Mumbai
Classification: Likely benign for Developmental and epileptic encephalopathy, 2. Last evaluated: 2026-04-06. Review status: criteria provided, single submitter. Criteria: ACMG Guidelines, 2015. Collection method: provider interpretation. Allele origin: germline. Inheritance: X-linked dominant inheritance. Affected: no. Observed: 1 variant allele, 1 heterozygote.
Comment: The variant satisfies PM2 criteria; Extremely low frequency in gnomAD population databases. The variant satisfies PP3 criteria; For a missense or a splicing region variant, computational prediction tools unanimously support a deleterious effect on the gene. However, the variant satisfies BS2 criteria.

Labcorp Genetics (formerly Invitae), Labcorp
Classification: Uncertain significance for Developmental and epileptic encephalopathy, 2; Angelman syndrome-like. Last evaluated: 2023-12-18. Review status: criteria provided, single submitter. Criteria: Invitae Variant Classification Sherloc (09022015). Collection method: clinical testing. Allele origin: germline.
Comment: This sequence change falls in intron 2 of the CDKL5 gene. It does not directly change the encoded amino acid sequence of the CDKL5 protein. It affects a nucleotide within the consensus splice site. This variant is present in population databases (rs747057962, gnomAD 0.001%). This variant has not been reported in the literature in individuals affected with CDKL5-related conditions. ClinVar contains an entry for this variant (Variation ID: 1921897). Variants that disrupt the consensus splice site are a relatively common cause of aberrant splicing (PMID: 17576681, 9536098). Algorithms developed to predict the effect of sequence changes on RNA splicing suggest that this variant may disrupt the consensus splice site. In summary, the available evidence is currently insufficient to determine the role of this variant in disease. Therefore, it has been classified as a Variant of Uncertain Significance.

Literature cited by the submitters: PubMed 15492925 (cited by Centre for Medical Genetics,  Mumbai); PubMed 17576681 (cited by Labcorp Genetics (formerly Invitae), Labcorp); PubMed 9536098 (cited by Labcorp Genetics (formerly Invitae), Labcorp).